The following is an entry in ClinVar:

ClinVar aggregate classification (germline): Uncertain significance. Review status: criteria provided, multiple submitters, no conflicts (2 of 4 stars). 3 submissions from 3 submitters: Uncertain significance (3). Last evaluated 2024-03-25.

Conditions:
Hereditary cancer-predisposing syndrome. Also called: Neoplastic Syndromes, Hereditary; Hereditary Cancer Syndrome; Tumor predisposition; Hereditary neoplastic syndrome. Identifiers: Orphanet 140162, MedGen C0027672, MeSH D009386, MONDO:0015356.
Hereditary breast ovarian cancer syndrome. Also called: Hereditary breast and ovarian cancer; Hereditary breast and/or ovarian cancer syndrome; Hereditary breast and ovarian cancer syndrome; Hereditary breast and ovarian cancer syndrome (HBOC); Breast and ovarian cancer; BRCA1- and BRCA2-Associated Hereditary Breast and Ovarian Cancer. Identifiers: Orphanet 145, MedGen C0677776, MeSH D061325, MONDO:0003582. Disease mechanism: loss of function.

Allele frequency attached by ClinVar (database versions not stated): gnomAD exomes below 0.00001.
gnomAD v4.1: 1 of 1,614,182 alleles (0.000062%); highest among the groups gnomAD compares: Non-Finnish European, 0.000085%; no homozygotes.

Submissions (3):

Ambry Genetics
Classification: Uncertain significance for Hereditary cancer-predisposing syndrome. Last evaluated: 2024-03-25. Review status: criteria provided, single submitter. Criteria: Ambry Variant Classification Scheme 2023. Collection method: clinical testing. Allele origin: germline.
Comment: The p.T2703A variant (also known as c.8107A>G), located in coding exon 17 of the BRCA2 gene, results from an A to G substitution at nucleotide position 8107. The threonine at codon 2703 is replaced by alanine, an amino acid with similar properties. This amino acid position is not well conserved in available vertebrate species. In addition, this alteration is predicted to be tolerated by in silico analysis. Based on the available evidence, the clinical significance of this alteration remains unclear.

GeneDx
Classification: Uncertain significance. Last evaluated: 2024-01-02. Review status: criteria provided, single submitter. Criteria: GeneDx Variant Classification Process June 2021. Collection method: clinical testing. Allele origin: germline. Affected: yes.
Comment: Not observed at significant frequency in large population cohorts (gnomAD); In silico analysis supports that this missense variant does not alter protein structure/function; Has not been previously published as pathogenic or benign to our knowledge; Also known as 8335A>G; This variant is associated with the following publications: (PMID: 12228710)

Labcorp Genetics (formerly Invitae), Labcorp
Classification: Uncertain significance for Hereditary breast ovarian cancer syndrome. Last evaluated: 2022-09-30. Review status: criteria provided, single submitter. Criteria: Invitae Variant Classification Sherloc (09022015). Collection method: clinical testing. Allele origin: germline.
Comment: This sequence change replaces threonine, which is neutral and polar, with alanine, which is neutral and non-polar, at codon 2703 of the BRCA2 protein (p.Thr2703Ala). This variant is not present in population databases (gnomAD no frequency). This variant has not been reported in the literature in individuals affected with BRCA2-related conditions. ClinVar contains an entry for this variant (Variation ID: 1379565). Advanced modeling of protein sequence and biophysical properties (such as structural, functional, and spatial information, amino acid conservation, physicochemical variation, residue mobility, and thermodynamic stability) performed at Invitae indicates that this missense variant is not expected to disrupt BRCA2 protein function. In summary, the available evidence is currently insufficient to determine the role of this variant in disease. Therefore, it has been classified as a Variant of Uncertain Significance.

NM_000059.4(BRCA2):c.8107A>G (p.Thr2703Ala)

Gene: BRCA2 (BRCA2 DNA repair associated; plus strand). Cytogenetic location: 13q13.1.
Variant type: single nucleotide variant.
Coding change: c.8107A>G on transcript NM_000059.4 (MANE Select); coding-DNA position 8107, A replaced by G.
Protein change: p.Thr2703Ala; replaces threonine 2703 with alanine.
Molecular consequence: missense variant.
Genome position (GRCh38, 1-based): chr13:32,363,309, A>G. VCF-style: chr13-32363309-A-G. GRCh37 (hg19) VCF-style: chr13-32937446-A-G.
Other names: short protein forms T2703A.
Identifiers: ClinVar variation 1379565 (VCV001379565.10), dbSNP rs2137580800, ClinGen allele CA387749332.
Genomic context (GRCh38, chr13:32,363,309, plus strand): 5'-GCAAAAACACTTGTTCTCTGTGTTTCTGACATAATTTCATTGAGCGCAAATATATCTGAA[A>G]CTTCTAGCAATAAAACTAGTAGTGCAGATACCCAAAAAGTGGCCATTATTGAACTTACAG-3'
Protein context (NP_000050.3, residues 2693-2713): IISLSANISE[Thr2703Ala]SSNKTSSADT